The following is an entry in ClinVar:

NM_000494.4(COL17A1):c.1445T>C (p.Leu482Pro)

Gene: COL17A1 (collagen type XVII alpha 1 chain; minus strand). Cytogenetic location: 10q25.1.
Variant type: single nucleotide variant.
Coding change: c.1445T>C on transcript NM_000494.4 (MANE Select); coding-DNA position 1445, T replaced by C.
Protein change: p.Leu482Pro; replaces leucine 482 with proline.
Molecular consequence: missense variant.
Genome position (GRCh38, 1-based): chr10:104,056,995, A>G on the plus strand (T>C on the coding strand, the complement: COL17A1 is on the minus strand). VCF-style: chr10-104056995-A-G. GRCh37 (hg19) VCF-style: chr10-105816753-A-G.
Other names: short protein forms L482P.
Identifiers: ClinVar variation 3242013 (VCV003242013.1), dbSNP rs2493344397.

ClinVar aggregate classification (germline): Uncertain significance (1 of 4 stars; one submission).

Conditions:
Epidermolysis bullosa, junctional 4, intermediate. Also called: Epidermolysis bullosa, junctional, localisata variant; EPIDERMOLYSIS BULLOSA, JUNCTIONAL 4, NON-HERLITZ TYPE; EPIDERMOLYSIS BULLOSA, GENERALIZED ATROPHIC BENIGN. Identifiers: MedGen C2608084, MONDO:0030750, OMIM 619787.

Submission:

Neuberg Centre For Genomic Medicine, NCGM
Classification: Uncertain significance for Epidermolysis bullosa, junctional 4, intermediate. Review status: criteria provided, single submitter. Criteria: ACMG Guidelines, 2015. Collection method: clinical testing. Allele origin: germline. Inheritance: Autosomal recessive inheritance. Affected: yes.
Comment: The observed missense c.1445T>C(p.Leu482Pro) variant in COL17A1 gene has been reported in homozygous state in an individual affected with Epidermolysis bullosa (Savostyanov K, et. al., 2022). The p.Leu482Pro variant is absent in gnomAD Exomes database. This variant has not been submitted to the ClinVar database. The amino acid change p.Leu482Pro in COL17A1 is predicted as conserved by GERP++ and PhyloP across 100 vertebrates. The amino acid Leu at position 482 is changed to a Pro changing protein sequence and it might alter its composition and physico-chemical properties. For these reasons, this variant has been classified as Variant of Uncertain Significance (VUS).